The following is an entry in ClinVar:

NM_024642.5(GALNT12):c.1185C>G (p.Tyr395Ter)

Gene: GALNT12 (polypeptide N-acetylgalactosaminyltransferase 12; plus strand). Cytogenetic location: 9q22.33.
Variant type: single nucleotide variant.
Coding change: c.1185C>G on transcript NM_024642.5 (MANE Select); coding-DNA position 1185, C replaced by G.
Protein change: p.Tyr395Ter; replaces tyrosine 395 with a stop codon.
Molecular consequence: nonsense.
Genome position (GRCh38, 1-based): chr9:98,837,121, C>G. VCF-style: chr9-98837121-C-G. GRCh37 (hg19) VCF-style: chr9-101599403-C-G.
Other names: short protein forms Y395*.
Identifiers: ClinVar variation 1272 (VCV000001272.12), dbSNP rs1588453974, ClinGen allele CA374220007.

ClinVar aggregate classification (germline): Uncertain significance. Review status: criteria provided, multiple submitters, no conflicts (2 of 4 stars). 3 submissions from 3 submitters: Uncertain significance (2). 1 of the submissions does not count toward it. Last evaluated 2023-11-03.

Conditions:
Colorectal cancer, susceptibility to, 1. Also called: COLORECTAL ADENOMA AND CANCER, SUSCEPTIBILITY TO; COLORECTAL CANCER, SUSCEPTIBILITY TO, ON CHROMOSOME 9. Identifiers: MedGen C1837315, MONDO:0012132, OMIM 608812.

Allele frequency attached by ClinVar (database versions not stated): gnomAD 0.00001; gnomAD exomes below 0.00001; TOPMed below 0.00001.
gnomAD v4.1: 4 of 1,614,066 alleles (0.00025%); highest among the groups gnomAD compares: Non-Finnish European, 0.00034%; no homozygotes.

Submissions (3):

Ambry Genetics
Classification: Uncertain significance. Last evaluated: 2023-11-03. Review status: criteria provided, single submitter. Criteria: Ambry Variant Classification Scheme 2023. Collection method: clinical testing. Allele origin: germline.
Comment: The p.Y395* variant (also known as c.1185C>G), located in coding exon 6 of the GALNT12 gene, results from a C to G substitution at nucleotide position 1185. This changes the amino acid from a tyrosine to a stop codon within coding exon 6. This alteration is expected to result in loss of function by premature protein truncation or nonsense-mediated mRNA decay. However, the evidence for this gene-disease relationship is limited; therefore, the clinical significance of this alteration is unclear.

Labcorp Genetics (formerly Invitae), Labcorp
Classification: Uncertain significance. Last evaluated: 2019-10-04. Review status: criteria provided, single submitter. Criteria: Invitae Variant Classification Sherloc (09022015). Collection method: clinical testing. Allele origin: germline.
Comment: This sequence change creates a premature translational stop signal (p.Tyr395*) in the GALNT12 gene. It is expected to result in an absent or disrupted protein product. This variant is not present in population databases (ExAC no frequency). This variant has been observed in an individual affected with colon cancer (PMID: 19617566). The current clinical and genetic evidence is not sufficient to establish whether loss-of-function variants in GALNT12 cause disease. In summary, the available evidence is currently insufficient to determine the role of this variant in disease. Therefore, it has been classified as a Variant of Uncertain Significance.

OMIM
Classification: risk factor for COLORECTAL CANCER, SUSCEPTIBILITY TO, 1. Last evaluated: 2009-08-04. Review status: no assertion criteria provided. Collection method: literature only. Allele origin: germline. Not counted in ClinVar's aggregate classification.

Literature cited by the submitters: PubMed 19617566 (cited by Labcorp Genetics (formerly Invitae), Labcorp and OMIM).